The following is an entry in ClinVar:

NM_000718.4(CACNA1B):c.5647C>T (p.Gln1883Ter)

Gene: CACNA1B (calcium voltage-gated channel subunit alpha1 B; plus strand). Cytogenetic location: 9q34.3.
Variant type: single nucleotide variant.
Coding change: c.5647C>T on transcript NM_000718.4 (MANE Select); coding-DNA position 5647, C replaced by T.
Protein change: p.Gln1883Ter; replaces glutamine 1883 with a stop codon.
Molecular consequence: nonsense.
Genome position (GRCh38, 1-based): chr9:138,114,488, C>T. VCF-style: chr9-138114488-C-T. GRCh37 (hg19) VCF-style: chr9-141008940-C-T.
Other names: c.5647C>T, p.Gln1883Ter (NM_001243812.2); short protein forms Q1883*.
Identifiers: ClinVar variation 1690862 (VCV001690862.2), dbSNP rs2131366543, ClinGen allele CA375816502.

ClinVar aggregate classification (germline): Likely pathogenic (1 of 4 stars; one submission).

Submission:

Laboratorio de Genetica e Diagnostico Molecular, Hospital Israelita Albert Einstein
Classification: Likely pathogenic. Last evaluated: 2020-04-08. Review status: criteria provided, single submitter. Criteria: ACMG Guidelines, 2015. Collection method: clinical testing. Allele origin: germline. Affected: yes.
Comment: ACMG classification criteria: PVS1, PM2